The following is an entry in ClinVar:

ClinVar aggregate classification (germline): Conflicting classifications of pathogenicity. Review status: criteria provided, conflicting classifications (1 of 4 stars). 5 submissions from 5 submitters: Uncertain significance (1); Likely benign (3). 1 of the submissions does not count toward it. Last evaluated 2026-01-19.

Conditions:
NPHS1-related disorder. Also called: NPHS1-related condition.
Congenital nephrotic syndrome. Also called: Familial nephrotic syndrome. Identifiers: MedGen C3501848, MeSH C535761, MONDO:0002350, HP:0008677.

Allele frequency attached by ClinVar (database versions not stated): gnomAD exomes 0.00028 and 0.00043; ExAC 0.00050; ESP Exome Variant Server 0.00123; gnomAD 0.00155 and 0.00161; 1000 Genomes Project 0.00180; TOPMed 0.00196; 1000 Genomes Project 30x 0.00219.
gnomAD v4.1: 663 of 1,613,970 alleles (0.041%); highest among the groups gnomAD compares: African/African-American, 0.5%; 2 homozygotes.

Submissions (5):

Labcorp Genetics (formerly Invitae), Labcorp
Classification: Likely benign. Last evaluated: 2026-01-19. Review status: criteria provided, single submitter. Criteria: Invitae Variant Classification Sherloc (09022015). Collection method: clinical testing. Allele origin: germline.

GeneDx
Classification: Likely benign. Last evaluated: 2020-03-11. Review status: criteria provided, single submitter. Criteria: GeneDx Variant Classification Process June 2021. Collection method: clinical testing. Allele origin: germline. Affected: yes.
Comment: In silico analysis, which includes protein predictors and evolutionary conservation, supports that this variant does not alter protein structure/function; Has not been previously published as pathogenic or benign to our knowledge; This variant is associated with the following publications: (PMID: 24948143)

Athena Diagnostics
Classification: Likely benign. Last evaluated: 2019-05-09. Review status: criteria provided, single submitter. Criteria: Athena Diagnostics Criteria. Collection method: clinical testing. Allele origin: germline.

Illumina Laboratory Services, Illumina
Classification: Uncertain significance for Congenital nephrotic syndrome. Last evaluated: 2017-04-27. Review status: criteria provided, single submitter. Criteria: ICSL Variant Classification Criteria 13 December 2019. Collection method: clinical testing. Allele origin: germline.
Comment: This variant was observed as part of a predisposition screen in an ostensibly healthy population. A literature search was performed for the gene, cDNA change, and amino acid change (where applicable). Publications were found based on this search. However, the evidence from the literature, in combination with allele frequency data from public databases where available, was not sufficient to rule this variant in or out of causing disease. Therefore, this variant is classified as a variant of unknown significance.

PreventionGenetics, part of Exact Sciences
Classification: Likely benign for NPHS1-related condition. Last evaluated: 2020-12-08. Review status: no assertion criteria provided. Collection method: clinical testing. Allele origin: germline. Not counted in ClinVar's aggregate classification.
Comment: This variant is classified as likely benign based on ACMG/AMP sequence variant interpretation guidelines (Richards et al. 2015 PMID: 25741868, with internal and published modifications).

Literature cited by the submitters: PubMed 23349334 (cited by Athena Diagnostics and Illumina Laboratory Services, Illumina); PubMed 24948143 (cited by Athena Diagnostics).

NM_004646.4(NPHS1):c.3520C>T (p.His1174Tyr)

Gene: NPHS1 (NPHS1 adhesion molecule, nephrin; minus strand). Cytogenetic location: 19q13.12.
Variant type: single nucleotide variant.
Coding change: c.3520C>T on transcript NM_004646.4 (MANE Select); coding-DNA position 3520, C replaced by T.
Protein change: p.His1174Tyr; replaces histidine 1174 with tyrosine.
Molecular consequence: missense variant.
Genome position (GRCh38, 1-based): chr19:35,830,918, G>A on the plus strand (C>T on the coding strand, the complement: NPHS1 is on the minus strand). VCF-style: chr19-35830918-G-A. GRCh37 (hg19) VCF-style: chr19-36321820-G-A.
Other names: short protein forms H1174Y.
Identifiers: ClinVar variation 709098 (VCV000709098.19), dbSNP rs115489112, ClinGen allele CA9389725.